The following is an entry in ClinVar:

NM_181712.5(KANK4):c.779T>C (p.Val260Ala)

Gene: KANK4 (KN motif and ankyrin repeat domains 4; minus strand). Cytogenetic location: 1p31.3.
Variant type: single nucleotide variant.
Coding change: c.779T>C on transcript NM_181712.5 (MANE Select); coding-DNA position 779, T replaced by C.
Protein change: p.Val260Ala; replaces valine 260 with alanine.
Molecular consequence: missense variant. On other transcripts: intron variant (1).
Genome position (GRCh38, 1-based): chr1:62,274,325, A>G on the plus strand (T>C on the coding strand, the complement: KANK4 is on the minus strand). VCF-style: chr1-62274325-A-G. GRCh37 (hg19) VCF-style: chr1-62739997-A-G.
Other names: c.779T>C (NM_181712.4); c.17-2736T>C (NM_001320269.2); short protein forms V260A.
Identifiers: ClinVar variation 3718779 (VCV003718779.3).

ClinVar aggregate classification (germline): Uncertain significance. Review status: criteria provided, multiple submitters, no conflicts (2 of 4 stars). 2 submissions from 2 submitters: Uncertain significance (2). Last evaluated 2025-06-18.

gnomAD v4.1: 2 of 1,614,160 alleles (0.00012%); highest among the groups gnomAD compares: Admixed American, 0.0033%; no homozygotes.

Submissions (2):

Ambry Genetics
Classification: Uncertain significance. Last evaluated: 2025-06-18. Review status: criteria provided, single submitter. Criteria: Ambry Variant Classification Scheme 2023. Collection method: clinical testing. Allele origin: germline.

Labcorp Genetics (formerly Invitae), Labcorp
Classification: Uncertain significance. Last evaluated: 2025-03-27. Review status: criteria provided, single submitter. Criteria: Invitae Variant Classification Sherloc (09022015). Collection method: clinical testing. Allele origin: germline.
Comment: This sequence change replaces valine, which is neutral and non-polar, with alanine, which is neutral and non-polar, at codon 260 of the KANK4 protein (p.Val260Ala). This variant is not present in population databases (gnomAD no frequency). This variant has not been reported in the literature in individuals affected with KANK4-related conditions. An algorithm developed to predict the effect of missense changes on protein structure and function (PolyPhen-2) suggests that this variant is likely to be disruptive. In summary, the available evidence is currently insufficient to determine the role of this variant in disease. Therefore, it has been classified as a Variant of Uncertain Significance.